The following is an entry in ClinVar:

NM_001005373.4(LRSAM1):c.1503+6T>C

Gene: LRSAM1 (leucine rich repeat and sterile alpha motif containing 1; plus strand). Cytogenetic location: 9q33.3.
Variant type: single nucleotide variant.
Coding change: c.1503+6T>C on transcript NM_001005373.4 (MANE Select); 6 bases into the intron after coding-DNA position 1503, T replaced by C.
Molecular consequence: intron variant.
Genome position (GRCh38, 1-based): chr9:127,491,301, T>C. VCF-style: chr9-127491301-T-C. GRCh37 (hg19) VCF-style: chr9-130253580-T-C.
Other names: c.1503+6T>C (NM_138361.5, NM_001384142.1, NM_001384143.1 and 1 more transcripts); c.1423-1501T>C (NM_001190723.3); c.714+6T>C (NM_001384144.1).
Identifiers: ClinVar variation 1523390 (VCV001523390.6), dbSNP rs2132098269, ClinGen allele CA2573143952.
Genomic context (GRCh38, chr9:127,491,301, plus strand): 5'-GCAGCTGACACAGCTGGAGTTAAAGAGGAAGTCCCTGGACACAGAGTCACTCCAGGTATG[T>C]AGGGCTCCCTGCCCCTGCCCTCCTTCACGTGGTGAGACCCCCACCTGGTGCTCCCTCCCA-3'

ClinVar aggregate classification (germline): Uncertain significance (1 of 4 stars; one submission).

Conditions:
Charcot-Marie-Tooth disease axonal type 2P. Also called: Charcot-Marie-Tooth Neuropathy Type 2G; CHARCOT-MARIE-TOOTH NEUROPATHY, TYPE 2P; CHARCOT-MARIE-TOOTH DISEASE, AXONAL, TYPE 2G; CMT 2G. Identifiers: Orphanet 300319, Orphanet 99941, MedGen C3280797, MONDO:0013753, OMIM 614436.

Submission:

Labcorp Genetics (formerly Invitae), Labcorp
Classification: Uncertain significance for Charcot-Marie-Tooth disease axonal type 2P. Last evaluated: 2021-04-05. Review status: criteria provided, single submitter. Criteria: Invitae Variant Classification Sherloc (09022015). Collection method: clinical testing. Allele origin: germline.
Comment: This variant has not been reported in the literature in individuals with LRSAM1-related conditions. Nucleotide substitutions within the consensus splice site are a relatively common cause of aberrant splicing (PMID: 17576681, 9536098). Algorithms developed to predict the effect of sequence changes on RNA splicing suggest that this variant is not likely to affect RNA splicing, but this prediction has not been confirmed by published transcriptional studies. In summary, the available evidence is currently insufficient to determine the role of this variant in disease. Therefore, it has been classified as a Variant of Uncertain Significance. This variant is not present in population databases (ExAC no frequency). This sequence change falls in intron 19 of the LRSAM1 gene. It does not directly change the encoded amino acid sequence of the LRSAM1 protein. It affects a nucleotide within the consensus splice site of the intron.

Literature cited by the submitters: PubMed 17576681; PubMed 9536098.